The following is an entry in ClinVar:

NM_001253697.2(ERBIN):c.2008C>T (p.Leu670Phe)

Gene: ERBIN (erbb2 interacting protein; plus strand). Cytogenetic location: 5q12.3.
Variant type: single nucleotide variant.
Coding change: c.2008C>T on transcript NM_001253697.2 (MANE Select); coding-DNA position 2008, C replaced by T.
Protein change: p.Leu670Phe; replaces leucine 670 with phenylalanine.
Molecular consequence: missense variant.
Genome position (GRCh38, 1-based): chr5:66,050,887, C>T. VCF-style: chr5-66050887-C-T. GRCh37 (hg19) VCF-style: chr5-65346715-C-T.
Other names: c.2008C>T, p.Leu670Phe (NM_001006600.3, NM_001253698.2, NM_001253699.2 and 1 more transcripts); c.1996C>T, p.Leu666Phe (NM_001253701.2); short protein forms L670F, L666F.
Identifiers: ClinVar variation 2992253 (VCV002992253.3), dbSNP rs1005923573, ClinGen allele CA359863929.

ClinVar aggregate classification (germline): Uncertain significance (1 of 4 stars; one submission).

gnomAD v4.1: 8 of 1,606,362 alleles (0.0005%); highest among the groups gnomAD compares: Non-Finnish European, 0.00068%; no homozygotes.

Submission:

Labcorp Genetics (formerly Invitae), Labcorp
Classification: Uncertain significance. Last evaluated: 2024-01-26. Review status: criteria provided, single submitter. Criteria: Invitae Variant Classification Sherloc (09022015). Collection method: clinical testing. Allele origin: germline.
Comment: This sequence change replaces leucine, which is neutral and non-polar, with phenylalanine, which is neutral and non-polar, at codon 670 of the ERBIN protein (p.Leu670Phe). This variant is not present in population databases (gnomAD no frequency). This variant has not been reported in the literature in individuals affected with ERBIN-related conditions. An algorithm developed to predict the effect of missense changes on protein structure and function (PolyPhen-2) suggests that this variant is likely to be disruptive. In summary, the available evidence is currently insufficient to determine the role of this variant in disease. Therefore, it has been classified as a Variant of Uncertain Significance.